The following is an entry in ClinVar:

ClinVar aggregate classification (germline): Uncertain significance (1 of 4 stars; one submission).

Allele frequency attached by ClinVar (database versions not stated): ExAC 0.00012; ESP Exome Variant Server 0.00038; gnomAD 0.00038; 1000 Genomes Project 30x 0.00047; TOPMed 0.00056; 1000 Genomes Project 0.00060.
gnomAD v4.1: 135 of 1,609,212 alleles (0.0084%); highest among the groups gnomAD compares: African/African-American, 0.16%; 1 homozygote.

Submission:

Labcorp Genetics (formerly Invitae), Labcorp
Classification: Uncertain significance. Last evaluated: 2025-12-20. Review status: criteria provided, single submitter. Criteria: Invitae Variant Classification Sherloc (09022015). Collection method: clinical testing. Allele origin: germline.
Comment: This sequence change replaces glycine, which is neutral and non-polar, with aspartic acid, which is acidic and polar, at codon 1033 of the NUP133 protein (p.Gly1033Asp). This variant is present in population databases (rs35550140, gnomAD 0.2%), and has an allele count higher than expected for a pathogenic variant. This variant has not been reported in the literature in individuals affected with NUP133-related conditions. ClinVar contains an entry for this variant (Variation ID: 2081637). An algorithm developed to predict the effect of missense changes on protein structure and function (PolyPhen-2) suggests that this variant is likely to be tolerated. In summary, the available evidence is currently insufficient to determine the role of this variant in disease. Therefore, it has been classified as a Variant of Uncertain Significance.

NM_018230.3(NUP133):c.3098G>A (p.Gly1033Asp)

Gene: NUP133 (nucleoporin 133; minus strand). Cytogenetic location: 1q42.13.
Variant type: single nucleotide variant.
Coding change: c.3098G>A on transcript NM_018230.3 (MANE Select); coding-DNA position 3098, G replaced by A.
Protein change: p.Gly1033Asp; replaces glycine 1033 with aspartic acid.
Molecular consequence: missense variant.
Genome position (GRCh38, 1-based): chr1:229,452,526, C>T on the plus strand (G>A on the coding strand, the complement: NUP133 is on the minus strand). VCF-style: chr1-229452526-C-T. GRCh37 (hg19) VCF-style: chr1-229588273-C-T.
Other names: short protein forms G1033D.
Identifiers: ClinVar variation 2081637 (VCV002081637.4), dbSNP rs35550140, ClinGen allele CA1443124.
Genomic context (GRCh38, chr1:229,452,526, plus strand): 5'-CAAACACCAAAAAGGTTTTGAGTTTAAGAAATAGCGTTAAGGATTTGAAAAGCACATACA[C>T]CAATGAGTTGTGGTGCAGTCAATACTGGCATCGCACTGAGATTTAGCTGTTTCTCCGCCA-3'
Protein context (NP_060700.2, residues 1023-1043): MPVLTAPQLI[Gly1033Asp]LYICEENRRA